The following is an entry in ClinVar:

NM_006940.6(SOX5):c.405dup (p.Lys136fs)

Gene: SOX5 (SRY-box transcription factor 5; minus strand). Cytogenetic location: 12p12.1.
Variant type: Duplication.
Coding change: c.405dup on transcript NM_006940.6 (MANE Select); coding-DNA position 405, one base duplicated (C; older notation c.405dupC).
Protein change: p.Lys136fs; shifts the reading frame from lysine 136.
Molecular consequence: frameshift variant.
Genome position (GRCh38, 1-based): chr12:23,846,059, G duplicated on the plus strand (C on the coding strand, the reverse complement: SOX5 is on the minus strand). VCF-style (leftmost placement, unchanged base first): chr12-23846058-T-TG. GRCh37 (hg19) VCF-style: chr12-23998992-T-TG.
Other names: c.366dup, p.Lys123fs (NM_001261414.3, NM_152989.5); c.375dup, p.Lys126fs (NM_001261415.3); c.300dup, p.Lys101fs (NM_001330785.2); short protein forms K123fs, K136fs, K101fs, K126fs.
Identifiers: ClinVar variation 973764 (VCV000973764.2), dbSNP rs2096571436, ClinGen allele CA1139662546.

ClinVar aggregate classification (germline): Pathogenic (1 of 4 stars; one submission).

Conditions:
Lamb-Shaffer syndrome. Identifiers: Orphanet 313884, Orphanet 313892, Orphanet 530983, MedGen C4225202, MONDO:0014778, OMIM 616803.

Submission:

Institute for Genomic Statistics and Bioinformatics, University Hospital Bonn
Classification: Pathogenic for Lamb-Shaffer syndrome. Review status: criteria provided, single submitter. Criteria: ACMG Guidelines, 2015. Collection method: clinical testing. Allele origin: de novo. Inheritance: Autosomal dominant inheritance. Affected: yes. Observed: 1 heterozygote.
Comment: The name of the variant is: NM_006940: c.405dup;p.(Lys136Glnfs*6). This variant leads to a shift of the reading frame and after five wrong amino acids to a premature stop codon. This variant is not recorded in the population and phenotype databases. The ACMG classification of this variant is: pathogenic (class 5; PVS1, PS2, PM2)